The following is an entry in ClinVar:

NM_015338.6(ASXL1):c.1631A>G (p.Asp544Gly)

Gene: ASXL1 (ASXL transcriptional regulator 1; plus strand). Cytogenetic location: 20q11.21.
Variant type: single nucleotide variant.
Coding change: c.1631A>G on transcript NM_015338.6 (MANE Select); coding-DNA position 1631, A replaced by G.
Protein change: p.Asp544Gly; replaces aspartic acid 544 with glycine.
Molecular consequence: missense variant.
Genome position (GRCh38, 1-based): chr20:32,433,829, A>G. VCF-style: chr20-32433829-A-G. GRCh37 (hg19) VCF-style: chr20-31021632-A-G.
Other names: c.1448A>G, p.Asp483Gly (NM_001363734.1); short protein forms D483G, D544G.
Identifiers: ClinVar variation 4158212 (VCV004158212.1).

ClinVar aggregate classification (germline): Uncertain significance (1 of 4 stars; one submission).

Conditions:
Inborn genetic diseases. Identifiers: MedGen C0950123, MeSH D030342.

gnomAD v4.1: 1 of 1,614,128 alleles (0.000062%); highest among the groups gnomAD compares: South Asian, 0.0011%; no homozygotes.

Submission:

Ambry Genetics
Classification: Uncertain significance for Inborn genetic diseases. Last evaluated: 2025-07-13. Review status: criteria provided, single submitter. Criteria: Ambry Variant Classification Scheme 2023. Collection method: clinical testing. Allele origin: germline.
Comment: The p.D544G variant (also known as c.1631A>G), located in coding exon 12 of the ASXL1 gene, results from an A to G substitution at nucleotide position 1631. The aspartic acid at codon 544 is replaced by glycine, an amino acid with similar properties. This amino acid position is conserved. In addition, the in silico prediction for this alteration is inconclusive. Based on the available evidence, the clinical significance of this variant remains unclear.